The following is an entry in ClinVar:

NM_000426.4(LAMA2):c.3379T>C (p.Cys1127Arg)

Gene: LAMA2 (laminin subunit alpha 2; plus strand). Cytogenetic location: 6q22.33.
Variant type: single nucleotide variant.
Coding change: c.3379T>C on transcript NM_000426.4 (MANE Select); coding-DNA position 3379, T replaced by C.
Protein change: p.Cys1127Arg; replaces cysteine 1127 with arginine.
Molecular consequence: missense variant.
Genome position (GRCh38, 1-based): chr6:129,313,065, T>C. VCF-style: chr6-129313065-T-C. GRCh37 (hg19) VCF-style: chr6-129634210-T-C.
Other names: c.3379T>C, p.Cys1127Arg (NM_001079823.2); short protein forms C1127R.
Identifiers: ClinVar variation 2420310 (VCV002420310.3), dbSNP rs774687955, ClinGen allele CA3993238.

ClinVar aggregate classification (germline): Uncertain significance (1 of 4 stars; one submission).

Conditions:
LAMA2-related muscular dystrophy (LAMA2-RD). Also called: Laminin alpha 2-related dystrophy. Identifiers: MedGen C5679788, MONDO:0100228.

Allele frequency attached by ClinVar (database versions not stated): gnomAD exomes below 0.00001; ExAC 0.00001.
gnomAD v4.1: 1 of 1,612,102 alleles (0.000062%); highest among the groups gnomAD compares: Admixed American, 0.0017%; no homozygotes.

Submission:

Labcorp Genetics (formerly Invitae), Labcorp
Classification: Uncertain significance for LAMA2-related muscular dystrophy. Last evaluated: 2025-12-29. Review status: criteria provided, single submitter. Criteria: Invitae Variant Classification Sherloc (09022015). Collection method: clinical testing. Allele origin: germline.
Comment: This sequence change replaces cysteine, which is neutral and slightly polar, with arginine, which is basic and polar, at codon 1127 of the LAMA2 protein (p.Cys1127Arg). This variant is not present in population databases (gnomAD no frequency). This variant has not been reported in the literature in individuals affected with LAMA2-related conditions. ClinVar contains an entry for this variant (Variation ID: 2420310). Invitae Evidence Modeling of protein sequence and biophysical properties (such as structural, functional, and spatial information, amino acid conservation, physicochemical variation, residue mobility, and thermodynamic stability) indicates that this missense variant is not expected to disrupt LAMA2 protein function with a negative predictive value of 95%. In summary, the available evidence is currently insufficient to determine the role of this variant in disease. Therefore, it has been classified as a Variant of Uncertain Significance.